The following is an entry in ClinVar:

ClinVar aggregate classification (germline): Uncertain significance. Review status: criteria provided, multiple submitters, no conflicts (2 of 4 stars). 3 submissions from 3 submitters: Uncertain significance (3). Last evaluated 2025-03-19.

Conditions:
Hereditary cancer-predisposing syndrome. Also called: Neoplastic Syndromes, Hereditary; Tumor predisposition; Hereditary Cancer Syndrome; Hereditary neoplastic syndrome. Identifiers: Orphanet 140162, MedGen C0027672, MeSH D009386, MONDO:0015356.
Cardiovascular phenotype. Identifiers: MedGen CN230736.

gnomAD v4.1: 2 of 1,570,950 alleles (0.00013%); highest among the groups gnomAD compares: Non-Finnish European, 0.000086%; no homozygotes.

Submissions (3):

Ambry Genetics
Classification: Uncertain significance for Cardiovascular phenotype; Hereditary cancer-predisposing syndrome. Last evaluated: 2025-03-19. Review status: criteria provided, single submitter. Criteria: Ambry Variant Classification Scheme 2023. Collection method: clinical testing. Allele origin: germline.
Comment: The p.A15V variant (also known as c.44C>T), located in coding exon 1 of the LZTR1 gene, results from a C to T substitution at nucleotide position 44. The alanine at codon 15 is replaced by valine, an amino acid with similar properties. This amino acid position is poorly conserved in available vertebrate species. In addition, this alteration is predicted to be tolerated by in silico analysis. Since supporting evidence is limited at this time, the clinical significance of this alteration remains unclear.

Labcorp Genetics (formerly Invitae), Labcorp
Classification: Uncertain significance. Last evaluated: 2024-03-14. Review status: criteria provided, single submitter. Criteria: Invitae Variant Classification Sherloc (09022015). Collection method: clinical testing. Allele origin: germline.
Comment: This sequence change replaces alanine, which is neutral and non-polar, with valine, which is neutral and non-polar, at codon 15 of the LZTR1 protein (p.Ala15Val). This variant is not present in population databases (gnomAD no frequency). This variant has not been reported in the literature in individuals affected with LZTR1-related conditions. ClinVar contains an entry for this variant (Variation ID: 1343621). Advanced modeling of protein sequence and biophysical properties (such as structural, functional, and spatial information, amino acid conservation, physicochemical variation, residue mobility, and thermodynamic stability) has been performed at Invitae for this missense variant, however the output from this modeling did not meet the statistical confidence thresholds required to predict the impact of this variant on LZTR1 protein function. In summary, the available evidence is currently insufficient to determine the role of this variant in disease. Therefore, it has been classified as a Variant of Uncertain Significance.

Women's Health and Genetics/Laboratory Corporation of America, LabCorp
Classification: Uncertain significance. Last evaluated: 2022-02-05. Review status: criteria provided, single submitter. Criteria: LabCorp Variant Classification Summary - May 2015. Collection method: clinical testing. Allele origin: germline.

NM_006767.4(LZTR1):c.44C>T (p.Ala15Val)

Genes: LZTR1 (leucine zipper like post translational regulator 1; plus strand), LOC130067016 (ATAC-STARR-seq lymphoblastoid silent region 13504; plus strand). Cytogenetic location: 22q11.21.
Variant type: single nucleotide variant.
Coding change: c.44C>T on transcript NM_006767.4 (MANE Select); coding-DNA position 44, C replaced by T.
Protein change: p.Ala15Val; replaces alanine 15 with valine.
Molecular consequence: missense variant.
Genome position (GRCh38, 1-based): chr22:20,982,415, C>T. VCF-style: chr22-20982415-C-T. GRCh37 (hg19) VCF-style: chr22-21336704-C-T.
Other names: short protein forms A15V.
Identifiers: ClinVar variation 1343621 (VCV001343621.9), dbSNP rs2147956758, ClinGen allele CA410777524.
Genomic context (GRCh38, chr22:20,982,415, plus strand): 5'-TCCGGCGTGGACCCGGGATGGCTGGACCGGGCAGCACGGGGGGGCAGATCGGGGCTGCGG[C>T]CCTGGCAGGCGGCGCGCGGTCCAAGGTAGCCCCGAGCGTGGACTTCGACCATAGCTGCTC-3'
Protein context (NP_006758.2, residues 5-25): GSTGGQIGAA[Ala15Val]LAGGARSKVA